The following is an entry in ClinVar:

ClinVar aggregate classification (germline): Uncertain significance (1 of 4 stars; one submission).

Conditions:
Hypertrophic cardiomyopathy. Also called: HYPERTROPHIC MYOCARDIOPATHY. Identifiers: Orphanet 217569, MedGen C0007194, MeSH D002312, MONDO:0005045, HP:0001639.

gnomAD v4.1: 1 of 1,607,320 alleles (0.000062%); highest among the groups gnomAD compares: Non-Finnish European, 0.000085%; no homozygotes.

Submission:

Labcorp Genetics (formerly Invitae), Labcorp
Classification: Uncertain significance for Hypertrophic cardiomyopathy. Last evaluated: 2025-11-21. Review status: criteria provided, single submitter. Criteria: Invitae Variant Classification Sherloc (09022015). Collection method: clinical testing. Allele origin: germline.
Comment: This sequence change replaces alanine, which is neutral and non-polar, with glutamic acid, which is acidic and polar, at codon 380 of the JPH2 protein (p.Ala380Glu). This variant is not present in population databases (gnomAD no frequency). This variant has not been reported in the literature in individuals affected with JPH2-related conditions. ClinVar contains an entry for this variant (Variation ID: 1379479). An algorithm developed to predict the effect of missense changes on protein structure and function (PolyPhen-2) suggests that this variant is likely to be disruptive. In summary, the available evidence is currently insufficient to determine the role of this variant in disease. Therefore, it has been classified as a Variant of Uncertain Significance.

NM_020433.5(JPH2):c.1139C>A (p.Ala380Glu)

Gene: JPH2 (junctophilin 2; minus strand). Cytogenetic location: 20q13.12.
Variant type: single nucleotide variant.
Coding change: c.1139C>A on transcript NM_020433.5 (MANE Select); coding-DNA position 1139, C replaced by A.
Protein change: p.Ala380Glu; replaces alanine 380 with glutamic acid.
Molecular consequence: missense variant.
Genome position (GRCh38, 1-based): chr20:44,159,648, G>T on the plus strand (C>A on the coding strand, the complement: JPH2 is on the minus strand). VCF-style: chr20-44159648-G-T. GRCh37 (hg19) VCF-style: chr20-42788288-G-T.
Other names: short protein forms A380E.
Identifiers: ClinVar variation 1379479 (VCV001379479.8), dbSNP rs1216466447, ClinGen allele CA409092767.